The following is an entry in ClinVar:

NM_001005361.3(DNM2):c.890G>A (p.Arg297His)

Gene: DNM2 (dynamin 2; plus strand). Cytogenetic location: 19p13.2.
Variant type: single nucleotide variant.
Coding change: c.890G>A on transcript NM_001005361.3 (MANE Select); coding-DNA position 890, G replaced by A.
Protein change: p.Arg297His; replaces arginine 297 with histidine.
Molecular consequence: missense variant.
Genome position (GRCh38, 1-based): chr19:10,786,604, G>A. VCF-style: chr19-10786604-G-A. GRCh37 (hg19) VCF-style: chr19-10897280-G-A.
Other names: c.890G>A, p.Arg297His (NM_001005360.3, NM_001005362.3, NM_001190716.2 and 1 more transcripts); short protein forms R297H.
Identifiers: ClinVar variation 327977 (VCV000327977.16), dbSNP rs763894364, ClinGen allele CA9200926.

ClinVar aggregate classification (germline): Conflicting classifications of pathogenicity. Review status: criteria provided, conflicting classifications (1 of 4 stars). 5 submissions from 4 submitters: Uncertain significance (3); Benign (2). Last evaluated 2026-06-23.

Conditions:
Charcot-Marie-Tooth disease dominant intermediate B (CMTDIB). Also called: CHARCOT-MARIE-TOOTH NEUROPATHY, DOMINANT INTERMEDIATE B; Charcot-Marie-Tooth disease dominant intermediate 1; CMT DI1; Charcot-Marie-Tooth disease dominant intermediate I. Identifiers: Orphanet 100044, Orphanet 228179, MedGen C1847902, MONDO:0011674, OMIM 606482.
DNM2-related disorder. Also called: DNM2-related condition.
Autosomal dominant centronuclear myopathy. Also called: Myopathy, centronuclear, 3; MYOTUBULAR MYOPATHY, AUTOSOMAL DOMINANT. Identifiers: Orphanet 169189, MedGen C4551952, MeSH D020914, MONDO:0008048, OMIM 160150.

Allele frequency attached by ClinVar (database versions not stated): gnomAD 0.00003.
gnomAD v4.1: 55 of 1,614,000 alleles (0.0034%); highest among the groups gnomAD compares: South Asian, 0.034%; no homozygotes.

Submissions (5):

PreventionGenetics, part of Exact Sciences
Classification: Uncertain significance for DNM2-related condition. Last evaluated: 2026-06-23. Review status: criteria provided, single submitter. Criteria: ACMG Guidelines, 2015. Collection method: clinical testing. Allele origin: germline.
Comment: The DNM2 c.890G>A variant is predicted to result in the amino acid substitution p.Arg297His. This variant has been reported in the heterozygous state in an individual with Charcot-Marie-Tooth disease (Ferese et al. 2021. PubMed ID: 34354735). This variant has also been reported in the heterozygous state in an individual from a cohort of repetitive pregnancy loss patients (Lee et al. 2024. PubMed ID: 38791485). This variant is reported in 0.039% of alleles in individuals of South Asian descent in gnomAD, which may be too common to be causative for autosomal dominant disease. This variant has conflicting classifications in the ClinVar database ranging from benign to uncertain (Variation ID: 327977). At this time, the clinical significance of this variant is uncertain due to the absence of conclusive functional and genetic evidence.

Labcorp Genetics (formerly Invitae), Labcorp
Classification: Uncertain significance for Charcot-Marie-Tooth disease dominant intermediate B. Last evaluated: 2025-10-22. Review status: criteria provided, single submitter. Criteria: Invitae Variant Classification Sherloc (09022015). Collection method: clinical testing. Allele origin: germline.
Comment: This sequence change replaces arginine, which is basic and polar, with histidine, which is basic and polar, at codon 297 of the DNM2 protein (p.Arg297His). This variant is present in population databases (rs763894364, gnomAD 0.04%), and has an allele count higher than expected for a pathogenic variant. This missense change has been observed in individual(s) with Charcot-Marie-Tooth disease (PMID: 34354735). ClinVar contains an entry for this variant (Variation ID: 327977). Invitae Evidence Modeling of protein sequence and biophysical properties (such as structural, functional, and spatial information, amino acid conservation, physicochemical variation, residue mobility, and thermodynamic stability) has been performed for this missense variant. However, the output from this modeling did not meet the statistical confidence thresholds required to predict the impact of this variant on DNM2 protein function. In summary, the available evidence is currently insufficient to determine the role of this variant in disease. Therefore, it has been classified as a Variant of Uncertain Significance.

Revvity Omics, Revvity
Classification: Uncertain significance. Last evaluated: 2019-09-26. Review status: criteria provided, single submitter. Criteria: ACMG Guidelines, 2015. Collection method: clinical testing. Allele origin: germline.

Illumina Laboratory Services, Illumina
Classification: Benign for Charcot-Marie-Tooth disease dominant intermediate B. Last evaluated: 2018-01-13. Review status: criteria provided, single submitter. Criteria: ICSL Variant Classification Criteria 13 December 2019. Collection method: clinical testing. Allele origin: germline.
Comment: This variant was observed in the ICSL laboratory as part of a predisposition screen in an ostensibly healthy population. It had not been previously curated by ICSL or reported in the Human Gene Mutation Database (HGMD: prior to June 1st, 2018), and was therefore a candidate for classification through an automated scoring system. Utilizing variant allele frequency, disease prevalence and penetrance estimates, and inheritance mode, an automated score was calculated to assess if this variant is too frequent to cause the disease. Based on the score and internal cut-off values, a variant classified as benign is not then subjected to further curation. The score for this variant resulted in a classification of benign for this disease.

Illumina Laboratory Services, Illumina
Classification: Benign for Autosomal dominant centronuclear myopathy. Last evaluated: 2018-01-13. Review status: criteria provided, single submitter. Criteria: ICSL Variant Classification Criteria 13 December 2019. Collection method: clinical testing. Allele origin: germline.
Comment: the same text as in the submission from Illumina Laboratory Services, Illumina above.

Literature cited by the submitters: PubMed 34354735 (cited by Labcorp Genetics (formerly Invitae), Labcorp).